The following is an entry in ClinVar:

ClinVar aggregate classification (germline): Likely benign (1 of 4 stars; one submission).

gnomAD v4.1: 11 of 1,613,486 alleles (0.00068%); highest among the groups gnomAD compares: Non-Finnish European, 0.00093%; no homozygotes.

Submission:

CeGaT Center for Human Genetics Tuebingen
Classification: Likely benign. Last evaluated: 2024-11-01. Review status: criteria provided, single submitter. Criteria: CeGaT Center For Human Genetics Tuebingen Variant Classification Criteria Version 2. Collection method: clinical testing. Allele origin: germline. Affected: yes. Observed: 1 variant allele.
Comment: KATNIP: BP4, BP7

NM_015202.5(KATNIP):c.2856G>C (p.Gly952=)

Gene: KATNIP (katanin interacting protein; plus strand). Cytogenetic location: 16p12.1.
Variant type: single nucleotide variant.
Coding change: c.2856G>C on transcript NM_015202.5 (MANE Select); coding-DNA position 2856, G replaced by C.
Protein change: p.Gly952=; no amino-acid change (glycine 952 retained).
Molecular consequence: synonymous variant.
Genome position (GRCh38, 1-based): chr16:27,749,816, G>C. VCF-style: chr16-27749816-G-C. GRCh37 (hg19) VCF-style: chr16-27761137-G-C.
Identifiers: ClinVar variation 3388937 (VCV003388937.14).